The following is an entry in ClinVar:

NM_005902.4(SMAD3):c.*4C>T

Gene: SMAD3 (SMAD family member 3; plus strand). Cytogenetic location: 15q22.33.
Variant type: single nucleotide variant.
Coding change: c.*4C>T on transcript NM_005902.4 (MANE Select); 4 bases downstream of the stop codon, C replaced by T.
Molecular consequence: 3 prime UTR variant.
Genome position (GRCh38, 1-based): chr15:67,190,540, C>T. VCF-style: chr15-67190540-C-T. GRCh37 (hg19) VCF-style: chr15-67482878-C-T.
Other names: c.*4C>T (NM_001145102.2, NM_001145103.2, NM_001145104.2).
Identifiers: ClinVar variation 925592 (VCV000925592.10), dbSNP rs1252748287, ClinGen allele CA618688261.
Genomic context (GRCh38, chr15:67,190,540, plus strand): 5'-GACAAGGTCCTCACCCAGATGGGCTCCCCAAGCATCCGCTGTTCCAGTGTGTCTTAGAGA[C>T]ATCAAGTATGGTAGGGGAGGGCAGGCTTGGGGAAAATGGCCATGCAGGAGGTGGAGAAAA-3'

ClinVar aggregate classification (germline): Uncertain significance. Review status: criteria provided, multiple submitters, no conflicts (2 of 4 stars). 5 submissions from 5 submitters: Uncertain significance (4). 1 of the submissions does not count toward it. Last evaluated 2024-09-25.

Conditions:
SMAD3-related disorder. Also called: SMAD3-related condition.
Aneurysm-osteoarthritis syndrome. Also called: SMAD3-Related Loeys-Dietz Syndrome; ANEURYSMS-OSTEOARTHRITIS SYNDROME; Loeys-Dietz syndrome, type 1C; LOEYS-DIETZ SYNDROME WITH OSTEOARTHRITIS. Identifiers: Orphanet 284984, MedGen C3151087, MONDO:0013426, OMIM 613795.
Familial thoracic aortic aneurysm and aortic dissection (TAAD). Also called: Thoracic aortic aneurysms and dissections. Identifiers: Orphanet 91387, MedGen C4707243, MONDO:0019625.

Allele frequency attached by ClinVar (database versions not stated): gnomAD 0.00001; gnomAD exomes 0.00001 and 0.00002; TOPMed 0.00001.
gnomAD v4.1: 26 of 1,613,864 alleles (0.0016%); highest among the groups gnomAD compares: Middle Eastern, 0.033%; no homozygotes.

Submissions (5):

Blueprint Genetics
Classification: Uncertain significance. Last evaluated: 2024-09-25. Review status: criteria provided, single submitter. Criteria: ACMG Guidelines, 2015. Collection method: clinical testing. Allele origin: germline.

All of Us Research Program, National Institutes of Health
Classification: Uncertain significance for Aneurysm-osteoarthritis syndrome. Last evaluated: 2024-04-25. Review status: criteria provided, single submitter. Criteria: ACMG Guidelines, 2015. Collection method: clinical testing. Allele origin: germline. Inheritance: Autosomal dominant inheritance. Observed: 1 variant allele, 1 heterozygote.
Comment: This variant is located in the 3' untranslated region of the SMAD3 gene. To our knowledge, functional studies have not been reported for this variant. This variant has not been reported in individuals affected with SMAD3-related disorders in the literature. This variant has been identified in 3/282704 chromosomes in the general population by the Genome Aggregation Database (gnomAD). The available evidence is insufficient to determine the role of this variant in disease conclusively. Therefore, this variant is classified as a Variant of Uncertain Significance.

This study involves interpretation of variants in research participants for the purpose of population health screening. Participant phenotype was not available at the time of variant classification. Additional details can be found in publication PMID: 35346344, PMCID: PMC8962531

Color Diagnostics, LLC DBA Color Health
Classification: Uncertain significance for Familial thoracic aortic aneurysm and aortic dissection. Last evaluated: 2024-03-20. Review status: criteria provided, single submitter. Criteria: ACMG Guidelines, 2015. Collection method: clinical testing. Allele origin: germline.
Comment: This variant is located in the 3' untranslated region of the SMAD3 gene. To our knowledge, functional studies have not been reported for this variant. This variant has not been reported in individuals affected with SMAD3-related disorders in the literature. This variant has been identified in 3/282704 chromosomes in the general population by the Genome Aggregation Database (gnomAD). The available evidence is insufficient to determine the role of this variant in disease conclusively. Therefore, this variant is classified as a Variant of Uncertain Significance.

Breakthrough Genomics
Classification: Uncertain significance. Review status: criteria provided, single submitter. Criteria: ACMG Guidelines, 2015. Collection method: not provided. Allele origin: germline. Inheritance: Autosomal dominant inheritance. Affected: yes.

PreventionGenetics, part of Exact Sciences
Classification: Likely benign for SMAD3-related condition. Last evaluated: 2021-04-01. Review status: no assertion criteria provided. Collection method: clinical testing. Allele origin: germline. Not counted in ClinVar's aggregate classification.
Comment: This variant is classified as likely benign based on ACMG/AMP sequence variant interpretation guidelines (Richards et al. 2015 PMID: 25741868, with internal and published modifications).